The following is an entry in ClinVar:

ClinVar aggregate classification (germline): Uncertain significance (1 of 4 stars; one submission).

Conditions:
Developmental and epileptic encephalopathy, 12 (DEE12). Identifiers: MedGen C3150988, MONDO:0013389, OMIM 613722.

gnomAD v4.1: 2 of 1,613,318 alleles (0.00012%); highest among the groups gnomAD compares: Non-Finnish European, 0.000085%; no homozygotes.

Submission:

Labcorp Genetics (formerly Invitae), Labcorp
Classification: Uncertain significance for Developmental and epileptic encephalopathy, 12. Last evaluated: 2025-01-15. Review status: criteria provided, single submitter. Criteria: Invitae Variant Classification Sherloc (09022015). Collection method: clinical testing. Allele origin: germline.
Comment: This sequence change replaces proline, which is neutral and non-polar, with leucine, which is neutral and non-polar, at codon 84 of the PLCB1 protein (p.Pro84Leu). This variant is not present in population databases (gnomAD no frequency). This variant has not been reported in the literature in individuals affected with PLCB1-related conditions. ClinVar contains an entry for this variant (Variation ID: 665781). Invitae Evidence Modeling of protein sequence and biophysical properties (such as structural, functional, and spatial information, amino acid conservation, physicochemical variation, residue mobility, and thermodynamic stability) indicates that this missense variant is not expected to disrupt PLCB1 protein function with a negative predictive value of 80%. In summary, the available evidence is currently insufficient to determine the role of this variant in disease. Therefore, it has been classified as a Variant of Uncertain Significance.

NM_015192.4(PLCB1):c.251C>T (p.Pro84Leu)

Gene: PLCB1 (phospholipase C beta 1; plus strand). Cytogenetic location: 20p12.3.
Variant type: single nucleotide variant.
Coding change: c.251C>T on transcript NM_015192.4 (MANE Select); coding-DNA position 251, C replaced by T.
Protein change: p.Pro84Leu; replaces proline 84 with leucine.
Molecular consequence: missense variant.
Genome position (GRCh38, 1-based): chr20:8,628,298, C>T. VCF-style: chr20-8628298-C-T. GRCh37 (hg19) VCF-style: chr20-8608945-C-T.
Other names: c.251C>T, p.Pro84Leu (NM_182734.3); short protein forms P84L.
Identifiers: ClinVar variation 665781 (VCV000665781.11), dbSNP rs781293608, ClinGen allele CA408261904.